The following is an entry in ClinVar:

ClinVar aggregate classification (germline): Uncertain significance (1 of 4 stars; one submission).

Conditions:
Cardiovascular phenotype. Identifiers: MedGen CN230736.

Submission:

Ambry Genetics
Classification: Uncertain significance for Cardiovascular phenotype. Last evaluated: 2026-07-31. Review status: criteria provided, single submitter. Criteria: Ambry Variant Classification Scheme 2023. Collection method: clinical testing. Allele origin: germline.
Comment: The p.V162D variant (also known as c.485T>A), located in coding exon 4 of the SCN10A gene, results from a T to A substitution at nucleotide position 485. The valine at codon 162 is replaced by aspartic acid, an amino acid with highly dissimilar properties. This amino acid position is conserved. In addition, this alteration is predicted to be deleterious by in silico analysis. Based on the available evidence, the clinical significance of this variant remains unclear.

NM_006514.4(SCN10A):c.485T>A (p.Val162Asp)

Gene: SCN10A (sodium voltage-gated channel alpha subunit 10; minus strand). Cytogenetic location: 3p22.2.
Variant type: single nucleotide variant.
Coding change: c.485T>A on transcript NM_006514.4 (MANE Select); coding-DNA position 485, T replaced by A.
Protein change: p.Val162Asp; replaces valine 162 with aspartic acid.
Molecular consequence: missense variant.
Genome position (GRCh38, 1-based): chr3:38,771,393, A>T on the plus strand (T>A on the coding strand, the complement: SCN10A is on the minus strand). VCF-style: chr3-38771393-A-T. GRCh37 (hg19) VCF-style: chr3-38812884-A-T.
Other names: c.485T>A, p.Val162Asp (NM_001293306.2, NM_001293307.2); short protein forms V162D.
Identifiers: ClinVar variation 5029092 (VCV005029092.1).